The following is an entry in ClinVar:

NM_001379610.1(SPINK1):c.55+2T>C

Gene: SPINK1 (serine peptidase inhibitor Kazal type 1; minus strand). Cytogenetic location: 5q32.
Variant type: single nucleotide variant.
Coding change: c.55+2T>C on transcript NM_001379610.1 (MANE Select); the canonical splice donor site of the intron after coding-DNA position 55, T replaced by C.
Molecular consequence: splice donor variant.
Genome position (GRCh38, 1-based): chr5:147,831,521, A>G on the plus strand (T>C on the coding strand, the complement: SPINK1 is on the minus strand). VCF-style: chr5-147831521-A-G. GRCh37 (hg19) VCF-style: chr5-147211084-A-G.
Other names: c.55+2T>C (NM_003122.5, NM_001354966.2).
Identifiers: ClinVar variation 3961103 (VCV003961103.1).

ClinVar aggregate classification (germline): Uncertain significance (1 of 4 stars; one submission).

Conditions:
Hereditary pancreatitis (PCTT). Also called: Hereditary chronic pancreatitis; PRSS1-Related Hereditary Pancreatitis. Identifiers: Orphanet 676, MedGen C0238339, MONDO:0008185, OMIM 167800.

Submission:

Ambry Genetics
Classification: Uncertain significance for Hereditary pancreatitis. Last evaluated: 2025-05-06. Review status: criteria provided, single submitter. Criteria: Ambry Variant Classification Scheme 2023. Collection method: clinical testing. Allele origin: germline.
Comment: The c.55+2T>C intronic variant results from a T to C substitution two nucleotides after coding exon 1 in the SPINK1 gene. This nucleotide position is highly conserved in available vertebrate species. In silico splice site analysis predicts that this alteration will weaken the native splice donor site. Alterations that disrupt the canonical splice site are expected to cause aberrant splicing, resulting in an abnormal protein or a transcript that is subject to nonsense-mediated mRNA decay; however, +2T>C alterations are capable of generating wild-type transcripts in some genomic contexts and should be interpreted with caution (Lin JH et al. Hum Mutat. 2019 10;40:1856-1873). Based on the available evidence, the clinical significance of this alteration remains unclear.